The following is an entry in ClinVar:

ClinVar aggregate classification (germline): Uncertain significance. Review status: criteria provided, multiple submitters, no conflicts (2 of 4 stars). 2 submissions from 2 submitters: Uncertain significance (2). Last evaluated 2025-06-23.

Conditions:
Cardiovascular phenotype. Identifiers: MedGen CN230736.
Dilated cardiomyopathy 1AA (CMD1AA). Also called: Cardiomyopathy, dilated, 1AA, with or without LVNC; CARDIOMYOPATHY, DILATED, 1AA, WITH OR WITHOUT LEFT VENTRICULAR NONCOMPACTION; CARDIOMYOPATHY, FAMILIAL HYPERTROPHIC, 23, WITH OR WITHOUT LEFT VENTRICULAR NONCOMPACTION. Identifiers: Orphanet 154, MedGen C2677338, MONDO:0012808, OMIM 612158.
Primary familial hypertrophic cardiomyopathy (HCM). Identifiers: Orphanet 99739, MedGen C0949658, MeSH D024741, MONDO:0024573. Inheritance: Various modes of inheritance.

Allele frequency attached by ClinVar (database versions not stated): gnomAD exomes below 0.00001; ExAC 0.00001; gnomAD 0.00001; TOPMed 0.00001.
gnomAD v4.1: 6 of 1,613,850 alleles (0.00037%); highest among the groups gnomAD compares: Admixed American, 0.005%; no homozygotes.

Submissions (2):

Ambry Genetics
Classification: Uncertain significance for Cardiovascular phenotype. Last evaluated: 2025-06-23. Review status: criteria provided, single submitter. Criteria: Ambry Variant Classification Scheme 2023. Collection method: clinical testing. Allele origin: germline.
Comment: The p.M604T variant (also known as c.1811T>C), located in coding exon 15 of the ACTN2 gene, results from a T to C substitution at nucleotide position 1811. The methionine at codon 604 is replaced by threonine, an amino acid with similar properties. This amino acid position is conserved. In addition, this alteration is predicted to be tolerated by in silico analysis. Based on the available evidence, the clinical significance of this variant remains unclear.

Labcorp Genetics (formerly Invitae), Labcorp
Classification: Uncertain significance for Primary familial hypertrophic cardiomyopathy; Dilated cardiomyopathy 1AA. Last evaluated: 2023-05-11. Review status: criteria provided, single submitter. Criteria: Invitae Variant Classification Sherloc (09022015). Collection method: clinical testing. Allele origin: germline.
Comment: This variant is present in population databases (rs766165654, gnomAD 0.003%). In summary, the available evidence is currently insufficient to determine the role of this variant in disease. Therefore, it has been classified as a Variant of Uncertain Significance. Advanced modeling of protein sequence and biophysical properties (such as structural, functional, and spatial information, amino acid conservation, physicochemical variation, residue mobility, and thermodynamic stability) performed at Invitae indicates that this missense variant is not expected to disrupt ACTN2 protein function. ClinVar contains an entry for this variant (Variation ID: 2149583). This variant has not been reported in the literature in individuals affected with ACTN2-related conditions. This sequence change replaces methionine, which is neutral and non-polar, with threonine, which is neutral and polar, at codon 604 of the ACTN2 protein (p.Met604Thr).

NM_001103.4(ACTN2):c.1811T>C (p.Met604Thr)

Gene: ACTN2 (actinin alpha 2; plus strand). Cytogenetic location: 1q43.
Variant type: single nucleotide variant.
Coding change: c.1811T>C on transcript NM_001103.4 (MANE Select); coding-DNA position 1811, T replaced by C.
Protein change: p.Met604Thr; replaces methionine 604 with threonine.
Molecular consequence: missense variant.
Genome position (GRCh38, 1-based): chr1:236,751,624, T>C. VCF-style: chr1-236751624-T-C. GRCh37 (hg19) VCF-style: chr1-236914924-T-C.
Other names: c.1811T>C (NM_001103.2); c.1811T>C, p.Met604Thr (NM_001278343.2); c.1187T>C, p.Met396Thr (NM_001278344.2); c.1061T>C, p.Met354Thr (NM_001412150.1); short protein forms M604T, M354T, M396T.
Identifiers: ClinVar variation 2149583 (VCV002149583.5), dbSNP rs766165654, ClinGen allele CA1473256.
Genomic context (GRCh38, chr1:236,751,624, plus strand): 5'-AGGTGATTCAGAGCTACAACATCAGAATCAGCTCAAGCAACCCGTACAGCACTGTCACCA[T>C]GGATGAGCTCCGGACCAAGTGGGACAAGGTGGGTGGCTGAGGGCCTGGTGTGGGACCAGG-3'
Protein context (NP_001094.1, residues 594-614): SSSNPYSTVT[Met604Thr]DELRTKWDKV